The following is an entry in ClinVar:

NM_001256545.2(MEGF10):c.918-141G>C

Gene: MEGF10 (multiple EGF like domains 10; plus strand). Cytogenetic location: 5q23.2.
Variant type: single nucleotide variant.
Coding change: c.918-141G>C on transcript NM_001256545.2 (MANE Select); 141 bases into the intron before coding-DNA position 918, G replaced by C.
Molecular consequence: intron variant.
Genome position (GRCh38, 1-based): chr5:127,410,248, G>C. VCF-style: chr5-127410248-G-C. GRCh37 (hg19) VCF-style: chr5-126745940-G-C.
Other names: c.918-141G>C (NM_032446.3, NM_001308119.2, NM_001308121.2).
Identifiers: ClinVar variation 672408 (VCV000672408.2), dbSNP rs76221063, ClinGen allele CA126939233.

ClinVar aggregate classification (germline): Likely benign. Review status: criteria provided, multiple submitters, no conflicts (2 of 4 stars). 2 submissions from 2 submitters: Likely benign (2). Last evaluated 2018-06-18.

Allele frequency attached by ClinVar (database versions not stated): TOPMed 0.01875; 1000 Genomes Project 30x 0.03264; 1000 Genomes Project 0.03415.
gnomAD v4.1: 17,193 of 723,566 alleles (2.4%); highest among the groups gnomAD compares: South Asian, 6.6%; 371 homozygotes.

Submissions (2):

GeneDx
Classification: Likely benign. Last evaluated: 2018-06-18. Review status: criteria provided, single submitter. Criteria: GeneDx Variant Classification (06012015). Collection method: clinical testing. Allele origin: germline. Affected: yes.
Comment: This variant is considered likely benign or benign based on one or more of the following criteria: it is a conservative change, it occurs at a poorly conserved position in the protein, it is predicted to be benign by multiple in silico algorithms, and/or has population frequency not consistent with disease.

Breakthrough Genomics
Classification: Likely benign. Review status: criteria provided, single submitter. Criteria: ACMG Guidelines, 2015. Collection method: not provided. Allele origin: germline. Inheritance: Autosomal recessive inheritance. Affected: yes.